The following is an entry in ClinVar:

NM_001040142.2(SCN2A):c.4865C>T (p.Pro1622Leu)

Gene: SCN2A (sodium voltage-gated channel alpha subunit 2; plus strand). Cytogenetic location: 2q24.3.
Variant type: single nucleotide variant.
Coding change: c.4865C>T on transcript NM_001040142.2 (MANE Select); coding-DNA position 4865, C replaced by T.
Protein change: p.Pro1622Leu; replaces proline 1622 with leucine.
Molecular consequence: missense variant.
Genome position (GRCh38, 1-based): chr2:165,388,671, C>T. VCF-style: chr2-165388671-C-T. GRCh37 (hg19) VCF-style: chr2-166245181-C-T.
Other names: c.4865C>T, p.Pro1622Leu (NM_001040143.2, NM_001371246.1, NM_001371247.1 and 1 more transcripts); short protein forms P1622L.
Identifiers: ClinVar variation 1193520 (VCV001193520.3), dbSNP rs1558885489, ClinGen allele CA349037640.
Genomic context (GRCh38, chr2:165,388,671, plus strand): 5'-TTTGTTGATTTTCTACAGGAATGTTTCTGGCTGAACTGATAGAAAAGTATTTTGTGTCCC[C>T]TACCCTGTTCCGAGTGATCCGTCTTGCCAGGATTGGCCGAATCCTACGTCTGATCAAAGG-3'
Protein context (NP_001035232.1, residues 1612-1632): AELIEKYFVS[Pro1622Leu]TLFRVIRLAR

ClinVar aggregate classification (germline): Conflicting classifications of pathogenicity. Review status: criteria provided, conflicting classifications (1 of 4 stars). 2 submissions from 2 submitters: Likely pathogenic (1); Uncertain significance (1). Last evaluated 2020-09-30.

Submissions (2):

Blueprint Genetics
Classification: Uncertain significance. Last evaluated: 2020-09-30. Review status: criteria provided, single submitter. Criteria: ACMG Guidelines, 2015. Collection method: clinical testing. Allele origin: germline.

GeneDx
Classification: Likely pathogenic. Last evaluated: 2019-05-01. Review status: criteria provided, single submitter. Criteria: GeneDx Variant Classification Process June 2021. Collection method: clinical testing. Allele origin: germline. Affected: yes.
Comment: Not observed in large population cohorts (Lek et al., 2016); The majority of missense variants in this gene are considered pathogenic (Stenson et al., 2014); In silico analysis, which includes protein predictors and evolutionary conservation, supports a deleterious effect; Has not been previously published as pathogenic or benign to our knowledge; This substitution is predicted to be within the extracellular loop between the S3 and S4 transmembrane segments of the fourth homologous domain